The following is an entry in ClinVar:

ClinVar aggregate classification (germline): Uncertain significance (1 of 4 stars; one submission).

Conditions:
Charcot-Marie-Tooth disease type 2R. Also called: CHARCOT-MARIE-TOOTH DISEASE, AXONAL, AUTOSOMAL RECESSIVE, TYPE 2R; CHARCOT-MARIE-TOOTH NEUROPATHY, TYPE 2R; Charcot-Marie-Tooth disease, axonal, type 2R. Identifiers: Orphanet 397968, MedGen C3809655, MONDO:0014208, OMIM 615490.

Submission:

Labcorp Genetics (formerly Invitae), Labcorp
Classification: Uncertain significance for Charcot-Marie-Tooth disease type 2R. Last evaluated: 2024-08-20. Review status: criteria provided, single submitter. Criteria: Invitae Variant Classification Sherloc (09022015). Collection method: clinical testing. Allele origin: germline.
Comment: This sequence change replaces glycine, which is neutral and non-polar, with serine, which is neutral and polar, at codon 95 of the TRIM2 protein (p.Gly95Ser). This variant is not present in population databases (gnomAD no frequency). This variant has not been reported in the literature in individuals affected with TRIM2-related conditions. An algorithm developed to predict the effect of missense changes on protein structure and function (PolyPhen-2) suggests that this variant is likely to be tolerated. In summary, the available evidence is currently insufficient to determine the role of this variant in disease. Therefore, it has been classified as a Variant of Uncertain Significance.

NM_015271.5(TRIM2):c.364G>A (p.Gly122Ser)

Gene: TRIM2 (tripartite motif containing 2; plus strand). Cytogenetic location: 4q31.3.
Variant type: single nucleotide variant.
Coding change: c.364G>A on transcript NM_015271.5 (MANE Select); coding-DNA position 364, G replaced by A.
Protein change: p.Gly122Ser; replaces glycine 122 with serine.
Molecular consequence: missense variant. On other transcripts: 5 prime UTR variant (1).
Genome position (GRCh38, 1-based): chr4:153,276,041, G>A. VCF-style: chr4-153276041-G-A. GRCh37 (hg19) VCF-style: chr4-154197193-G-A.
Other names: c.364G>A, p.Gly122Ser (NM_001302692.2, NM_001375488.1, NM_001375490.1 and 1 more transcripts); c.361G>A, p.Gly121Ser (NM_001302693.2, NM_001375489.1, NM_001375491.1 and 1 more transcripts); c.337G>A, p.Gly113Ser (NM_001302694.2, NM_001351054.2); c.334G>A, p.Gly112Ser (NM_001351055.2); c.283G>A, p.Gly95Ser (NM_001351056.2, NM_001375512.1, NM_001375513.1 and 5 more transcripts); c.-194G>A (NM_001351057.2); c.25G>A, p.Gly9Ser (NM_001375522.1, NM_001375523.1, NM_001375525.1); short protein forms G112S, G113S, G121S, G95S, G9S, G122S.
Identifiers: ClinVar variation 3662132 (VCV003662132.2).